The following is an entry in ClinVar:

NM_005670.4(EPM2A):c.849T>C (p.Tyr283=)

Gene: EPM2A (EPM2A glucan phosphatase, laforin; minus strand). Cytogenetic location: 6q24.3.
Variant type: single nucleotide variant.
Coding change: c.849T>C on transcript NM_005670.4 (MANE Select); coding-DNA position 849, T replaced by C.
Protein change: p.Tyr283=; no amino-acid change (tyrosine 283 retained).
Molecular consequence: synonymous variant. On other transcripts: missense variant (1), non-coding transcript variant (1).
Genome position (GRCh38, 1-based): chr6:145,627,563, A>G on the plus strand (T>C on the coding strand, the complement: EPM2A is on the minus strand). VCF-style: chr6-145627563-A-G. GRCh37 (hg19) VCF-style: chr6-145948699-A-G.
Other names: p.Y283Y:TAT>TAC; c.849T>C, p.Tyr283= (NM_001018041.2); c.607T>C, p.Cys203Arg (NM_001360057.2); c.435T>C, p.Tyr145= (NM_001360064.2, NM_001360071.2, NM_001368131.1); c.387T>C, p.Tyr129= (NM_001368129.2, NM_001368132.1); short protein forms C203R.
Identifiers: ClinVar variation 137219 (VCV000137219.17), dbSNP rs142027344, ClinGen allele CA290757.

ClinVar aggregate classification (germline): Benign/Likely benign. Review status: criteria provided, multiple submitters, no conflicts (2 of 4 stars). 5 submissions from 5 submitters: Benign (1); Likely benign (4). Last evaluated 2026-01-28.

Conditions:
Inborn genetic diseases. Identifiers: MedGen C0950123, MeSH D030342.
Progressive myoclonic epilepsy. Also called: Myoclonic Epilepsies, Progressive; Myoclonus epilepsy; Progressive myoclonus epilepsy; Familial progressive myoclonic epilepsy. Identifiers: Orphanet 308, Orphanet 98261, MedGen C0751778, MONDO:0020074.

Allele frequency attached by ClinVar (database versions not stated): ESP Exome Variant Server 0.00015; 1000 Genomes Project 30x 0.00016; 1000 Genomes Project 0.00020; gnomAD 0.00025 and 0.00029; ExAC 0.00027; gnomAD exomes 0.00031; TOPMed 0.00033.
gnomAD v4.1: 521 of 1,614,244 alleles (0.032%); highest among the groups gnomAD compares: Middle Eastern, 0.3%; 1 homozygote.

Submissions (5):

Labcorp Genetics (formerly Invitae), Labcorp
Classification: Likely benign for Progressive myoclonic epilepsy. Last evaluated: 2026-01-28. Review status: criteria provided, single submitter. Criteria: Invitae Variant Classification Sherloc (09022015). Collection method: clinical testing. Allele origin: germline.

Blueprint Genetics
Classification: Likely benign. Last evaluated: 2024-10-23. Review status: criteria provided, single submitter. Criteria: ACMG Guidelines, 2015. Collection method: clinical testing. Allele origin: germline.

Ambry Genetics
Classification: Likely benign for Inborn genetic diseases. Last evaluated: 2016-09-06. Review status: criteria provided, single submitter. Criteria: Ambry Variant Classification Scheme 2023. Collection method: clinical testing. Allele origin: germline.

GeneDx
Classification: Benign. Last evaluated: 2014-03-07. Review status: criteria provided, single submitter. Criteria: GeneDx Variant Classification (06012015). Collection method: clinical testing. Allele origin: germline. Affected: yes.
Comment: This variant is considered likely benign or benign based on one or more of the following criteria: it is a conservative change, it occurs at a poorly conserved position in the protein, it is predicted to be benign by multiple in silico algorithms, and/or has population frequency not consistent with disease.

Breakthrough Genomics
Classification: Likely benign. Review status: criteria provided, single submitter. Criteria: ACMG Guidelines, 2015. Collection method: not provided. Allele origin: germline. Inheritance: Autosomal recessive inheritance. Affected: yes.